The following is an entry in ClinVar:

ClinVar aggregate classification (germline): Uncertain significance. Review status: criteria provided, multiple submitters, no conflicts (2 of 4 stars). 2 submissions from 2 submitters: Uncertain significance (2). Last evaluated 2024-09-19.

Allele frequency attached by ClinVar (database versions not stated): gnomAD exomes 0.00001 and 0.00005; TOPMed 0.00004; gnomAD 0.00005 and 0.00007.
gnomAD v4.1: 73 of 1,469,468 alleles (0.005%); highest among the groups gnomAD compares: Non-Finnish European, 0.0062%; no homozygotes.

Submissions (2):

GeneDx
Classification: Uncertain significance. Last evaluated: 2024-09-19. Review status: criteria provided, single submitter. Criteria: GeneDx Variant Classification Process June 2021. Collection method: clinical testing. Allele origin: germline. Affected: yes.
Comment: Reported without a second variant in a patient with multiple-system atrophy in published literature (PMID: 23758206); Not observed at significant frequency in large population cohorts (gnomAD); In silico analysis indicates that this missense variant does not alter protein structure/function; This variant is associated with the following publications: (PMID: 23758206)

Labcorp Genetics (formerly Invitae), Labcorp
Classification: Uncertain significance. Last evaluated: 2022-08-06. Review status: criteria provided, single submitter. Criteria: Invitae Variant Classification Sherloc (09022015). Collection method: clinical testing. Allele origin: germline.
Comment: This sequence change replaces phenylalanine, which is neutral and non-polar, with leucine, which is neutral and non-polar, at codon 79 of the COQ2 protein (p.Phe79Leu). The frequency data for this variant in the population databases is considered unreliable, as metrics indicate poor data quality at this position in the gnomAD database. This missense change has been observed in individual(s) with multiple-system atrophy (PMID: 23758206). ClinVar contains an entry for this variant (Variation ID: 214222). Algorithms developed to predict the effect of missense changes on protein structure and function output the following: SIFT: "Tolerated"; PolyPhen-2: "Benign"; Align-GVGD: "Class C0". The leucine amino acid residue is found in multiple mammalian species, which suggests that this missense change does not adversely affect protein function. Experimental studies have shown that this missense change does not substantially affect COQ2 function (PMID: 23758206). In summary, the available evidence is currently insufficient to determine the role of this variant in disease. Therefore, it has been classified as a Variant of Uncertain Significance.

Literature cited by the submitters: PubMed 23758206 (cited by Labcorp Genetics (formerly Invitae), Labcorp).

NM_001358921.2(COQ2):c.85T>C (p.Phe29Leu)

Genes: COQ2 (coenzyme Q2, polyprenyltransferase; minus strand), LOC112997540 (Sharpr-MPRA regulatory region 13773; plus strand). Cytogenetic location: 4q21.23.
Variant type: single nucleotide variant.
Coding change: c.85T>C on transcript NM_001358921.2 (MANE Select); coding-DNA position 85, T replaced by C.
Protein change: p.Phe29Leu; replaces phenylalanine 29 with leucine.
Molecular consequence: missense variant.
Genome position (GRCh38, 1-based): chr4:83,284,680, A>G on the plus strand (T>C on the coding strand, the complement: COQ2 is on the minus strand). VCF-style: chr4-83284680-A-G. GRCh37 (hg19) VCF-style: chr4-84205833-A-G.
Other names: p.F79L:TTC>CTC; c.235T>C, p.Phe79Leu (NM_015697.9); short protein forms F79L, F29L.
Identifiers: ClinVar variation 214222 (VCV000214222.4), dbSNP rs863223933, ClinGen allele CA322512.